The following is an entry in ClinVar:

ClinVar aggregate classification (germline): Conflicting classifications of pathogenicity. Review status: criteria provided, conflicting classifications (1 of 4 stars). 2 submissions from 2 submitters: Uncertain significance (1); Likely benign (1). Last evaluated 2024-11-20.

Allele frequency attached by ClinVar (database versions not stated): 1000 Genomes Project below 0.00001; gnomAD 0.00022 and 0.00023; 1000 Genomes Project 30x 0.00031; TOPMed 0.00031; ExAC 0.00032; gnomAD exomes 0.00034 and 0.00038; ESP Exome Variant Server 0.00046.
gnomAD v4.1: 579 of 1,613,912 alleles (0.036%); highest among the groups gnomAD compares: Middle Eastern, 0.066%; 2 homozygotes.

Submissions (2):

Blueprint Genetics
Classification: Likely benign. Last evaluated: 2024-11-20. Review status: criteria provided, single submitter. Criteria: ACMG Guidelines, 2015. Collection method: clinical testing. Allele origin: germline.

Labcorp Genetics (formerly Invitae), Labcorp
Classification: Uncertain significance. Last evaluated: 2022-10-17. Review status: criteria provided, single submitter. Criteria: Invitae Variant Classification Sherloc (09022015). Collection method: clinical testing. Allele origin: germline.
Comment: This sequence change replaces glycine, which is neutral and non-polar, with serine, which is neutral and polar, at codon 658 of the ARHGEF18 protein (p.Gly658Ser). This variant is present in population databases (rs143766225, gnomAD 0.05%). This variant has not been reported in the literature in individuals affected with ARHGEF18-related conditions. ClinVar contains an entry for this variant (Variation ID: 934092). Algorithms developed to predict the effect of missense changes on protein structure and function output the following: SIFT: "Tolerated"; PolyPhen-2: "Possibly Damaging"; Align-GVGD: "Class C0". The serine amino acid residue is found in multiple mammalian species, which suggests that this missense change does not adversely affect protein function. In summary, the available evidence is currently insufficient to determine the role of this variant in disease. Therefore, it has been classified as a Variant of Uncertain Significance.

NM_001367823.1(ARHGEF18):c.2536G>A (p.Gly846Ser)

Gene: ARHGEF18 (Rho/Rac guanine nucleotide exchange factor 18; plus strand). Cytogenetic location: 19p13.2.
Variant type: single nucleotide variant.
Coding change: c.2536G>A on transcript NM_001367823.1 (MANE Select); coding-DNA position 2536, G replaced by A.
Protein change: p.Gly846Ser; replaces glycine 846 with serine.
Molecular consequence: missense variant.
Genome position (GRCh38, 1-based): chr19:7,462,235, G>A. VCF-style: chr19-7462235-G-A. GRCh37 (hg19) VCF-style: chr19-7527121-G-A.
Other names: c.1810G>A, p.Gly604Ser (NM_001130955.2); c.1498G>A, p.Gly500Ser (NM_001367824.1, NM_015318.4); short protein forms G604S, G846S, G500S.
Identifiers: ClinVar variation 934092 (VCV000934092.6), dbSNP rs143766225, ClinGen allele CA9136892.